The following is an entry in ClinVar:

ClinVar aggregate classification (germline): Uncertain significance (1 of 4 stars; one submission).

Allele frequency attached by ClinVar (database versions not stated): gnomAD exomes below 0.00001 and 0.00001; gnomAD 0.00001; TOPMed 0.00002.

Submission:

Labcorp Genetics (formerly Invitae), Labcorp
Classification: Uncertain significance. Last evaluated: 2025-11-06. Review status: criteria provided, single submitter. Criteria: Invitae Variant Classification Sherloc (09022015). Collection method: clinical testing. Allele origin: germline.
Comment: This sequence change replaces arginine, which is basic and polar, with histidine, which is basic and polar, at codon 1325 of the KIAA1549 protein (p.Arg1325His). This variant is present in population databases (no rsID available, gnomAD 0.0009%). This variant has not been reported in the literature in individuals affected with KIAA1549-related conditions. ClinVar contains an entry for this variant (Variation ID: 999919). An algorithm developed to predict the effect of missense changes on protein structure and function (PolyPhen-2) suggests that this variant is likely to be disruptive. In summary, the available evidence is currently insufficient to determine the role of this variant in disease. Therefore, it has been classified as a Variant of Uncertain Significance.

NM_001164665.2(KIAA1549):c.3974G>A (p.Arg1325His)

Gene: KIAA1549 (KIAA1549; minus strand). Cytogenetic location: 7q34.
Variant type: single nucleotide variant.
Coding change: c.3974G>A on transcript NM_001164665.2 (MANE Select); coding-DNA position 3974, G replaced by A.
Protein change: p.Arg1325His; replaces arginine 1325 with histidine.
Molecular consequence: missense variant.
Genome position (GRCh38, 1-based): chr7:138,894,400, C>T on the plus strand (G>A on the coding strand, the complement: KIAA1549 is on the minus strand). VCF-style: chr7-138894400-C-T. GRCh37 (hg19) VCF-style: chr7-138579146-C-T.
Other names: c.3974G>A, p.Arg1325His (NM_020910.3); short protein forms R1325H.
Identifiers: ClinVar variation 999919 (VCV000999919.6), dbSNP rs986194090, ClinGen allele CA167149559.